The following is an entry in ClinVar:

ClinVar aggregate classification (germline): Uncertain significance (1 of 4 stars; one submission).

Conditions:
Heterotopia, periventricular, X-linked dominant (PVNH1). Also called: PERIVENTRICULAR NODULAR HETEROTOPIA 4; HETEROTOPIA, PERIVENTRICULAR, 1; PERIVENTRICULAR NODULAR HETEROTOPIA 1; X-linked periventricular heterotopia. Identifiers: Orphanet 2149, Orphanet 82004, MedGen C1848213, MONDO:0010233, OMIM 300049.
Melnick-Needles syndrome (MNS). Also called: MELNICK-NEEDLES OSTEODYSPLASTY; OSTEODYSPLASTY OF MELNICK AND NEEDLES; Melnick-Needles Syndrome (FLNA-MNS). Identifiers: Orphanet 2484, MedGen C0025237, MONDO:0010650, OMIM 309350.
Frontometaphyseal dysplasia (FMD1). Identifiers: Orphanet 1826, MedGen C0265293, MONDO:0015942.
Oto-palato-digital syndrome, type II (OPD2). Also called: FACIOPALATOOSSEOUS SYNDROME; OPD II SYNDROME; Otopalatodigital Syndrome, Type II; Otopalatodigital Syndrome Type 2 (FLNA-OPD2). Identifiers: Orphanet 669, Orphanet 90652, MedGen C1844696, MONDO:0010571, OMIM 304120.

Submission:

Labcorp Genetics (formerly Invitae), Labcorp
Classification: Uncertain significance for Oto-palato-digital syndrome, type II; Heterotopia, periventricular, X-linked dominant; Frontometaphyseal dysplasia; Melnick-Needles syndrome. Last evaluated: 2024-11-05. Review status: criteria provided, single submitter. Criteria: Invitae Variant Classification Sherloc (09022015). Collection method: clinical testing. Allele origin: germline.
Comment: This sequence change replaces glutamic acid, which is acidic and polar, with glutamine, which is neutral and polar, at codon 1828 of the FLNA protein (p.Glu1828Gln). This variant is not present in population databases (gnomAD no frequency). This variant has not been reported in the literature in individuals affected with FLNA-related conditions. ClinVar contains an entry for this variant (Variation ID: 1393046). Invitae Evidence Modeling of protein sequence and biophysical properties (such as structural, functional, and spatial information, amino acid conservation, physicochemical variation, residue mobility, and thermodynamic stability) indicates that this missense variant is not expected to disrupt FLNA protein function with a negative predictive value of 95%. In summary, the available evidence is currently insufficient to determine the role of this variant in disease. Therefore, it has been classified as a Variant of Uncertain Significance.

NM_001110556.2(FLNA):c.5506G>C (p.Glu1836Gln)

Gene: FLNA (filamin A; minus strand). Cytogenetic location: Xq28.
Variant type: single nucleotide variant.
Coding change: c.5506G>C on transcript NM_001110556.2 (MANE Select); coding-DNA position 5506, G replaced by C.
Protein change: p.Glu1836Gln; replaces glutamic acid 1836 with glutamine.
Molecular consequence: missense variant.
Genome position (GRCh38, 1-based): chrX:154,354,202, C>G on the plus strand (G>C on the coding strand, the complement: FLNA is on the minus strand). VCF-style: chrX-154354202-C-G. GRCh37 (hg19) VCF-style: chrX-153582570-C-G.
Other names: c.5482G>C, p.Glu1828Gln (NM_001456.4); short protein forms E1836Q, E1828Q.
Identifiers: ClinVar variation 1393046 (VCV001393046.6), dbSNP rs1557176399, ClinGen allele CA415204007.
Genomic context (GRCh38, chrX:154,354,202, plus strand): 5'-CAGGCCCACCTGGGATGTGCATGTTGTCATAGCGGATGTCCATCTCGTGCAGGCCAGCCT[C>G]GCTGGGTGCATACCGCACGGTCACGGTGCCGTCTTTGTTGTCAGTGATGGTGGGCTGCGC-3'
Protein context (NP_001104026.1, residues 1826-1846): GTVTVRYAPS[Glu1836Gln]AGLHEMDIRY